The following is an entry in ClinVar:

ClinVar aggregate classification (germline): Benign (1 of 4 stars; one submission).

Conditions:
Heterotaxy, visceral, 4, autosomal (HTX4). Identifiers: Orphanet 450, MedGen C3151057, MONDO:0013403, OMIM 613751.

Allele frequency attached by ClinVar (database versions not stated): 1000 Genomes Project 0.00100; 1000 Genomes Project 30x 0.00109; TOPMed 0.00190; gnomAD 0.00253 and 0.00255; gnomAD exomes 0.00909.
gnomAD v4.1: 386 of 152,262 alleles (0.25%); highest among the groups gnomAD compares: Non-Finnish European, 0.43%; no homozygotes.

Submission:

Illumina Laboratory Services, Illumina
Classification: Benign for Heterotaxy, visceral, 4, autosomal. Last evaluated: 2018-01-13. Review status: criteria provided, single submitter. Criteria: ICSL Variant Classification Criteria 13 December 2019. Collection method: clinical testing. Allele origin: germline.
Comment: This variant was observed in the ICSL laboratory as part of a predisposition screen in an ostensibly healthy population. It had not been previously curated by ICSL or reported in the Human Gene Mutation Database (HGMD: prior to June 1st, 2018), and was therefore a candidate for classification through an automated scoring system. Utilizing variant allele frequency, disease prevalence and penetrance estimates, and inheritance mode, an automated score was calculated to assess if this variant is too frequent to cause the disease. Based on the score and internal cut-off values, a variant classified as benign is not then subjected to further curation. The score for this variant resulted in a classification of benign for this disease.

NM_001106.4(ACVR2B):c.*4218A>G

Gene: ACVR2B (activin A receptor type 2B; plus strand). Cytogenetic location: 3p22.2.
Variant type: single nucleotide variant.
Coding change: c.*4218A>G on transcript NM_001106.4 (MANE Select); 4218 bases downstream of the stop codon, A replaced by G.
Molecular consequence: 3 prime UTR variant.
Genome position (GRCh38, 1-based): chr3:38,487,550, A>G. VCF-style: chr3-38487550-A-G. GRCh37 (hg19) VCF-style: chr3-38529041-A-G.
Identifiers: ClinVar variation 344986 (VCV000344986.5), dbSNP rs146770581, ClinGen allele CA10618628.
Genomic context (GRCh38, chr3:38,487,550, plus strand): 5'-GTGTGCTCGGGCTGTGTGTGGGGTTTTTCCCTGGTGGAAGGAAGCCCAGCTGTGTATTGA[A>G]TGTCCTTCATGTGTTGTGTGTGGCTCAGAAAGCCTGTCACTTGGCCCCTGTGCTCTGAGC-3'